The following is an entry in ClinVar:

NM_006245.4(PPP2R5D):c.748G>A (p.Glu250Lys)

Gene: PPP2R5D (protein phosphatase 2 regulatory subunit B'delta; plus strand). Cytogenetic location: 6p21.1.
Variant type: single nucleotide variant.
Coding change: c.748G>A on transcript NM_006245.4 (MANE Select); coding-DNA position 748, G replaced by A.
Protein change: p.Glu250Lys; replaces glutamic acid 250 with lysine.
Molecular consequence: missense variant.
Genome position (GRCh38, 1-based): chr6:43,007,956, G>A. VCF-style: chr6-43007956-G-A. GRCh37 (hg19) VCF-style: chr6-42975694-G-A.
Other names: c.295G>A, p.Glu99Lys (NM_001270476.2); c.652G>A, p.Glu218Lys (NM_180976.3); c.430G>A, p.Glu144Lys (NM_180977.3); c.748G>A (NM_006245.2); short protein forms E144K, E218K, E250K, E99K.
Identifiers: ClinVar variation 978913 (VCV000978913.16), dbSNP rs1762178779, ClinGen allele CA364188934.
Genomic context (GRCh38, chr6:43,007,956, plus strand): 5'-GCTGCCTCACTGGCTGCTTTCCCTCCCTTGTACCCCCAGCTCCTAGACCTATTTGACAGT[G>A]AGGATCCTCGAGAGCGGGACTTCCTCAAGACCATTTTGCATCGCATCTATGGCAAGTTTT-3'
Protein context (NP_006236.1, residues 240-260): VLALLDLFDS[Glu250Lys]DPRERDFLKT

ClinVar aggregate classification (germline): Conflicting classifications of pathogenicity. Review status: criteria provided, conflicting classifications (1 of 4 stars). 5 submissions from 5 submitters: Pathogenic (1); Likely pathogenic (3); Uncertain significance (1). Last evaluated 2025-12-11.

Conditions:
Inborn genetic diseases. Identifiers: MedGen C0950123, MeSH D030342.
Houge-Janssens syndrome 1. Also called: Intellectual disability-macrocephaly-hypotonia-behavioral abnormalities syndrome; INTELLECTUAL DEVELOPMENTAL DISORDER, AUTOSOMAL DOMINANT 35; PPP2R5D-Related Neurodevelopmental Disorder; Hogue-Janssens syndrome 1. Identifiers: Orphanet 457279, MedGen C5779996, MONDO:0014602, OMIM 616355.
Intellectual disability. Also called: intellectual disabilities; Intellectual developmental disorder; Intellectual functioning disability. Identifiers: MedGen C3714756, MeSH D008607, MONDO:0001071, HP:0001249.

Submissions (5):

Labcorp Genetics (formerly Invitae), Labcorp
Classification: Uncertain significance. Last evaluated: 2025-12-11. Review status: criteria provided, single submitter. Criteria: Invitae Variant Classification Sherloc (09022015). Collection method: clinical testing. Allele origin: germline.
Comment: This sequence change replaces glutamic acid, which is acidic and polar, with lysine, which is basic and polar, at codon 250 of the PPP2R5D protein (p.Glu250Lys). This variant is not present in population databases (gnomAD no frequency). This missense change has been observed in individual(s) with PPP2R5D-related conditions (PMID: 33098144; internal data). In at least one individual the variant was observed to be de novo. ClinVar contains an entry for this variant (Variation ID: 978913). An algorithm developed to predict the effect of missense changes on protein structure and function (PolyPhen-2) suggests that this variant is likely to be disruptive. In summary, the available evidence is currently insufficient to determine the role of this variant in disease. Therefore, it has been classified as a Variant of Uncertain Significance.

Ambry Genetics
Classification: Likely pathogenic for Inborn genetic diseases. Last evaluated: 2025-04-14. Review status: criteria provided, single submitter. Criteria: Ambry Variant Classification Scheme 2023. Collection method: clinical testing. Allele origin: germline.
Comment: The c.748G>A (p.E250K) alteration is located in exon 7 (coding exon 7) of the PPP2R5D gene. This alteration results from a G to A substitution at nucleotide position 748, causing the glutamic acid (E) at amino acid position 250 to be replaced by a lysine (K). This variant was not reported in population-based cohorts in the Genome Aggregation Database (gnomAD). This variant was determined to be de novo in at least one individual with features consistent with PPP2R5D-related disorder (Walker, 2021). This amino acid position is highly conserved in available vertebrate species. This missense alteration is located in a region that has a low rate of benign missense variation (Lek, 2016; Firth, 2009). This alteration is predicted to be deleterious by in silico analysis. Based on the available evidence, this alteration is classified as likely pathogenic.

GeneDx
Classification: Pathogenic. Last evaluated: 2022-03-31. Review status: criteria provided, single submitter. Criteria: GeneDx Variant Classification Process June 2021. Collection method: clinical testing. Allele origin: germline. Affected: yes.
Comment: Not observed in large population cohorts (gnomAD); In silico analysis supports that this missense variant has a deleterious effect on protein structure/function; This variant is associated with the following publications: (PMID: 33098144)

Diagnostic Laboratory, Strasbourg University Hospital
Classification: Likely pathogenic for Intellectual disability. Last evaluated: 2020-04-20. Review status: criteria provided, single submitter. Criteria: ACMG Guidelines, 2015. Collection method: clinical testing. Allele origin: de novo. Inheritance: Autosomal dominant inheritance. Affected: yes. Observed: 1 heterozygote.

Kids Neuroscience Centre, Sydney Children's Hospitals Network
Classification: Likely pathogenic for Houge-Janssens syndrome 1. Review status: criteria provided, single submitter. Criteria: Bournazos AM et al. (Genet Med 2021). Collection method: clinical testing. Allele origin: de novo. Inheritance: Autosomal dominant inheritance. Affected: yes. Observed: 1 heterozygote.
Comment: No evidence for splicing abnormalities induced by the PPP2R5D c.748G>A variant. The p.(Glu250Lys) missense affects a highly conserved amino acid (conserved to yeast) and key functional domain (protein phosphatase 2A, regulatory B subunit, B56) of PPP2R5D. Missense prediction programs Align GVGD, SIFT, MutationTaster and PolyPhen-2 predict the p.(Glu250Lys) missense to be ‘likely pathogenic’. The same amino acid substitution (p.(Glu198Lys), p.(Glu200Lys)) of other residues within this functional domain have been reported in ClinVar as pathogenic.

Literature cited by the submitters: PubMed 33098144 (cited by Labcorp Genetics (formerly Invitae), Labcorp and Ambry Genetics); PubMed 30676711 (cited by Ambry Genetics); PubMed 36216457 (cited by Ambry Genetics); PubMed 39169681 (cited by Ambry Genetics).